The following is an entry in ClinVar:

NM_001710.6(CFB):c.2189G>A (p.Arg730Gln)

Gene: CFB (complement factor B; plus strand). Cytogenetic location: 6p21.33.
Variant type: single nucleotide variant.
Coding change: c.2189G>A on transcript NM_001710.6 (MANE Select); coding-DNA position 2189, G replaced by A.
Protein change: p.Arg730Gln; replaces arginine 730 with glutamine.
Molecular consequence: missense variant.
Genome position (GRCh38, 1-based): chr6:31,951,924, G>A. VCF-style: chr6-31951924-G-A. GRCh37 (hg19) VCF-style: chr6-31919701-G-A.
Other names: short protein forms R730Q.
Identifiers: ClinVar variation 4777555 (VCV004777555.1).

ClinVar aggregate classification (germline): Uncertain significance (1 of 4 stars; one submission).

gnomAD v4.1: 20 of 1,612,962 alleles (0.0012%); highest among the groups gnomAD compares: South Asian, 0.0044%; no homozygotes.

Submission:

Labcorp Genetics (formerly Invitae), Labcorp
Classification: Uncertain significance. Last evaluated: 2025-02-06. Review status: criteria provided, single submitter. Criteria: Invitae Variant Classification Sherloc (09022015). Collection method: clinical testing. Allele origin: germline.
Comment: This sequence change replaces arginine, which is basic and polar, with glutamine, which is neutral and polar, at codon 730 of the CFB protein (p.Arg730Gln). This variant is present in population databases (no rsID available, gnomAD 0.007%). This variant has not been reported in the literature in individuals affected with CFB-related conditions. An algorithm developed to predict the effect of missense changes on protein structure and function outputs the following: PolyPhen-2: "Benign". The glutamine amino acid residue is found in multiple mammalian species, which suggests that this missense change does not adversely affect protein function. In summary, the available evidence is currently insufficient to determine the role of this variant in disease. Therefore, it has been classified as a Variant of Uncertain Significance.